The following is an entry in ClinVar:

ClinVar aggregate classification (germline): Uncertain significance (0 of 4 stars; one submission).

Conditions:
DYRK1B-related disorder. Also called: DYRK1B-related condition.

gnomAD v4.1: 33 of 1,601,232 alleles (0.0021%); highest among the groups gnomAD compares: Non-Finnish European, 0.0027%; no homozygotes.

Submission:

PreventionGenetics, part of Exact Sciences
Classification: Uncertain significance for DYRK1B-related condition. Last evaluated: 2024-07-26. Review status: no assertion criteria provided. Collection method: clinical testing. Allele origin: germline.
Comment: The DYRK1B c.1738C>T variant is predicted to result in the amino acid substitution p.Pro580Ser. To our knowledge, this variant has not been reported in the literature. This variant is reported in 0.0010% of alleles in individuals of European (Non-Finnish) descent in gnomAD. At this time, the clinical significance of this variant is uncertain due to the absence of conclusive functional and genetic evidence.

NM_004714.3(DYRK1B):c.1738C>T (p.Pro580Ser)

Gene: DYRK1B (dual specificity tyrosine phosphorylation regulated kinase 1B; minus strand). Cytogenetic location: 19q13.2.
Variant type: single nucleotide variant.
Coding change: c.1738C>T on transcript NM_004714.3 (MANE Select); coding-DNA position 1738, C replaced by T.
Protein change: p.Pro580Ser; replaces proline 580 with serine.
Molecular consequence: missense variant.
Genome position (GRCh38, 1-based): chr19:39,825,867, G>A on the plus strand (C>T on the coding strand, the complement: DYRK1B is on the minus strand). VCF-style: chr19-39825867-G-A. GRCh37 (hg19) VCF-style: chr19-40316507-G-A.
Other names: c.1618C>T, p.Pro540Ser (NM_006483.3); c.1654C>T, p.Pro552Ser (NM_006484.3); short protein forms P540S, P552S, P580S.
Identifiers: ClinVar variation 3352318 (VCV003352318.1).